The following is an entry in ClinVar:

ClinVar aggregate classification (germline): Uncertain significance. Review status: criteria provided, single submitter (1 of 4 stars). 2 submissions from 2 submitters: Uncertain significance (1). 1 of the submissions does not count toward it. Last evaluated 2024-02-24.

Conditions:
CREBBP-related disorder. Also called: CREBBP-related disorders; CREBBP-related condition.
Rubinstein-Taybi syndrome (RSTS). Identifiers: Orphanet 783, MedGen C0035934, MONDO:0019188.

Allele frequency attached by ClinVar (database versions not stated): gnomAD 0.00001; gnomAD exomes 0.00001; TOPMed 0.00003.
gnomAD v4.1: 12 of 1,528,758 alleles (0.00078%); highest among the groups gnomAD compares: African/African-American, 0.0014%; no homozygotes.

Submissions (2):

Labcorp Genetics (formerly Invitae), Labcorp
Classification: Uncertain significance for Rubinstein-Taybi syndrome. Last evaluated: 2024-02-24. Review status: criteria provided, single submitter. Criteria: Invitae Variant Classification Sherloc (09022015). Collection method: clinical testing. Allele origin: germline.
Comment: This sequence change replaces threonine, which is neutral and polar, with methionine, which is neutral and non-polar, at codon 1932 of the CREBBP protein (p.Thr1932Met). This variant is not present in population databases (gnomAD no frequency). This variant has not been reported in the literature in individuals affected with CREBBP-related conditions. ClinVar contains an entry for this variant (Variation ID: 1382008). Advanced modeling of protein sequence and biophysical properties (such as structural, functional, and spatial information, amino acid conservation, physicochemical variation, residue mobility, and thermodynamic stability) performed at Invitae indicates that this missense variant is not expected to disrupt CREBBP protein function with a negative predictive value of 95%. In summary, the available evidence is currently insufficient to determine the role of this variant in disease. Therefore, it has been classified as a Variant of Uncertain Significance.

PreventionGenetics, part of Exact Sciences
Classification: Uncertain significance for CREBBP-related condition. Last evaluated: 2024-09-27. Review status: no assertion criteria provided. Collection method: clinical testing. Allele origin: germline. Not counted in ClinVar's aggregate classification.
Comment: The CREBBP c.5795C>T variant is predicted to result in the amino acid substitution p.Thr1932Met. To our knowledge, this variant has not been reported in the literature or in a large population database, indicating this variant is rare. At this time, the clinical significance of this variant is uncertain due to the absence of conclusive functional and genetic evidence.

NM_004380.3(CREBBP):c.5795C>T (p.Thr1932Met)

Gene: CREBBP (CREB binding lysine acetyltransferase; minus strand). Cytogenetic location: 16p13.3.
Variant type: single nucleotide variant.
Coding change: c.5795C>T on transcript NM_004380.3 (MANE Select); coding-DNA position 5795, C replaced by T.
Protein change: p.Thr1932Met; replaces threonine 1932 with methionine.
Molecular consequence: missense variant.
Genome position (GRCh38, 1-based): chr16:3,729,252, G>A on the plus strand (C>T on the coding strand, the complement: CREBBP is on the minus strand). VCF-style: chr16-3729252-G-A. GRCh37 (hg19) VCF-style: chr16-3779253-G-A.
Other names: c.5681C>T, p.Thr1894Met (NM_001079846.1); c.5795C>T (NM_004380.2); short protein forms T1932M, T1894M.
Identifiers: ClinVar variation 1382008 (VCV001382008.7), dbSNP rs867074201, ClinGen allele CA276972029.